The following is an entry in ClinVar:

NM_024598.4(USB1):c.3G>C (p.Met1Ile)

Genes: USB1 (U6 snRNA biogenesis phosphodiesterase 1; plus strand), LOC112469011 (Sharpr-MPRA regulatory region 3942; plus strand). Cytogenetic location: 16q21.
Variant type: single nucleotide variant.
Coding change: c.3G>C on transcript NM_024598.4 (MANE Select); coding-DNA position 3, G replaced by C.
Protein change: p.Met1Ile; changes the start codon (methionine 1).
Molecular consequence: missense variant, initiator codon variant. On other transcripts: intron variant (1).
Genome position (GRCh38, 1-based): chr16:58,001,486, G>C. VCF-style: chr16-58001486-G-C. GRCh37 (hg19) VCF-style: chr16-58035390-G-C.
Other names: c.3G>C, p.Met1Ile (NM_001195302.2, NM_001204911.2, NM_001330569.2); c.-55-993G>C (NM_001330568.2); short protein forms M1I.
Identifiers: ClinVar variation 1414559 (VCV001414559.5), dbSNP rs546288690, ClinGen allele CA8084764.
Genomic context (GRCh38, chr16:58,001,486, plus strand): 5'-TCCGGGTGCCGGTTGAGGTTGCTGGTGGACCTGCTCTGGTGGTCTTGGATGAGGCCCCAT[G>C]AGCGCGGCGCCCCTGGTGGGCTACAGCAGCAGCGGCTCCGAGGATGAGTCCGAGGACGGG-3'
Protein context (NP_078874.2, residues 1-11): [Met1Ile]SAAPLVGYSS

ClinVar aggregate classification (germline): Uncertain significance (1 of 4 stars; one submission).

Allele frequency attached by ClinVar (database versions not stated): TOPMed 0.00001; gnomAD exomes 0.00005; ExAC 0.00009; 1000 Genomes Project 30x 0.00016; 1000 Genomes Project 0.00020.

Submission:

Labcorp Genetics (formerly Invitae), Labcorp
Classification: Uncertain significance. Last evaluated: 2025-11-15. Review status: criteria provided, single submitter. Criteria: Invitae Variant Classification Sherloc (09022015). Collection method: clinical testing. Allele origin: germline.
Comment: This sequence change affects the initiator codon of the USB1 mRNA. This change may impact translation initiation or efficiency. The next in-frame methionine is located at codon 22. This variant is present in population databases (rs546288690, gnomAD 0.05%). This variant has not been reported in the literature in individuals affected with USB1-related conditions. ClinVar contains an entry for this variant (Variation ID: 1414559). In summary, the available evidence is currently insufficient to determine the role of this variant in disease. Therefore, it has been classified as a Variant of Uncertain Significance.